The following is an entry in ClinVar:

NM_000138.5(FBN1):c.5296G>C (p.Asp1766His)

Gene: FBN1 (fibrillin 1; minus strand). Cytogenetic location: 15q21.1.
Variant type: single nucleotide variant.
Coding change: c.5296G>C on transcript NM_000138.5 (MANE Select); coding-DNA position 5296, G replaced by C.
Protein change: p.Asp1766His; replaces aspartic acid 1766 with histidine.
Molecular consequence: missense variant.
Genome position (GRCh38, 1-based): chr15:48,460,246, C>G on the plus strand (G>C on the coding strand, the complement: FBN1 is on the minus strand). VCF-style: chr15-48460246-C-G. GRCh37 (hg19) VCF-style: chr15-48752443-C-G.
Other names: short protein forms D1766H.
Identifiers: ClinVar variation 527178 (VCV000527178.8), dbSNP rs1555396631, ClinGen allele CA392347948.

ClinVar aggregate classification (germline): Uncertain significance (1 of 4 stars; one submission).

Conditions:
Familial thoracic aortic aneurysm and aortic dissection (TAAD). Also called: Thoracic aortic aneurysms and dissections. Identifiers: Orphanet 91387, MedGen C4707243, MONDO:0019625.
Marfan syndrome (MFS). Also called: Marfan syndrome type 1; Marfan syndrome, classic; Marfan's syndrome; FBN1-Related Marfan Syndrome; MARFAN SYNDROME, TYPE I. Identifiers: Orphanet 284963, Orphanet 558, MedGen C0024796, MONDO:0007947, OMIM 154700.

Submission:

Labcorp Genetics (formerly Invitae), Labcorp
Classification: Uncertain significance for Marfan syndrome; Familial thoracic aortic aneurysm and aortic dissection. Last evaluated: 2024-08-04. Review status: criteria provided, single submitter. Criteria: Invitae Variant Classification Sherloc (09022015). Collection method: clinical testing. Allele origin: germline.
Comment: This sequence change replaces aspartic acid, which is acidic and polar, with histidine, which is basic and polar, at codon 1766 of the FBN1 protein (p.Asp1766His). This variant also falls at the last nucleotide of exon 43, which is part of the consensus splice site for this exon. This variant is not present in population databases (gnomAD no frequency). This missense change has been observed in individual(s) with Marfan syndrome (PMID: 31825148). ClinVar contains an entry for this variant (Variation ID: 527178). An algorithm developed to predict the effect of missense changes on protein structure and function (PolyPhen-2) suggests that this variant is likely to be disruptive. Variants that disrupt the consensus splice site are a relatively common cause of aberrant splicing (PMID: 17576681, 9536098). Algorithms developed to predict the effect of sequence changes on RNA splicing suggest that this variant may disrupt the consensus splice site. In summary, the available evidence is currently insufficient to determine the role of this variant in disease. Therefore, it has been classified as a Variant of Uncertain Significance.

Literature cited by the submitters: PubMed 31825148; PubMed 17576681; PubMed 9536098.